The following is an entry in ClinVar:

NM_000384.3(APOB):c.9715C>T (p.His3239Tyr)

Gene: APOB (apolipoprotein B; minus strand). Cytogenetic location: 2p24.1.
Variant type: single nucleotide variant.
Coding change: c.9715C>T on transcript NM_000384.3 (MANE Select); coding-DNA position 9715, C replaced by T.
Protein change: p.His3239Tyr; replaces histidine 3239 with tyrosine.
Molecular consequence: missense variant.
Genome position (GRCh38, 1-based): chr2:21,007,153, G>A on the plus strand (C>T on the coding strand, the complement: APOB is on the minus strand). VCF-style: chr2-21007153-G-A. GRCh37 (hg19) VCF-style: chr2-21230025-G-A.
Other names: short protein forms H3239Y.
Identifiers: ClinVar variation 927815 (VCV000927815.15), dbSNP rs755547544, ClinGen allele CA066781.

ClinVar aggregate classification (germline): Conflicting classifications of pathogenicity. Review status: criteria provided, conflicting classifications (1 of 4 stars). 4 submissions from 4 submitters: Uncertain significance (2); Likely benign (1). 1 of the submissions does not count toward it. Last evaluated 2026-03-25.

Conditions:
APOB-related disorder. Also called: APOB-related condition; APOB-related disorders.
Familial hypobetalipoproteinemia 1. Also called: Hypobetalipoproteinemia, normotriglyceridemic; Acanthocytosis with hypobetalipoproteinemia; APOB-Related Familial Hypobetalipoproteinemia. Identifiers: MedGen C4551990, MONDO:0014252, OMIM 615558.
Hypercholesterolemia, autosomal dominant, type B (FHCL2). Also called: Familial Hypercholesterolemia Type B; Hyperlipoproteinemia Type IIb; Familial hypercholesterolemia 2; APOB-Related Familial Hypercholesterolemia, Autosomal Dominant; APOLIPOPROTEIN B-100, FAMILIAL DEFECTIVE; APOLIPOPROTEIN B-100, FAMILIAL LIGAND-DEFECTIVE. Identifiers: MedGen C1704417, MONDO:0007751, OMIM 144010.
Cardiovascular phenotype. Identifiers: MedGen CN230736.

Allele frequency attached by ClinVar (database versions not stated): gnomAD exomes below 0.00001; ExAC 0.00001.
gnomAD v4.1: 3 of 1,613,964 alleles (0.00019%); no homozygotes.

Submissions (4):

GeneDx
Classification: Uncertain significance. Last evaluated: 2026-03-25. Review status: criteria provided, single submitter. Criteria: GeneDx Variant Classification Process June 2021. Collection method: clinical testing. Allele origin: germline.
Comment: Has been reported in an individual with dyslipidemia (PMID: 32041611); Not observed at significant frequency in large population cohorts (gnomAD); In silico analysis suggests that this missense variant does not alter protein structure/function; This variant is associated with the following publications: (PMID: 32041611)

Labcorp Genetics (formerly Invitae), Labcorp
Classification: Likely benign for Familial hypobetalipoproteinemia 1; Hypercholesterolemia, autosomal dominant, type B. Last evaluated: 2024-03-20. Review status: criteria provided, single submitter. Criteria: Invitae Variant Classification Sherloc (09022015). Collection method: clinical testing. Allele origin: germline.

Ambry Genetics
Classification: Uncertain significance for Cardiovascular phenotype. Last evaluated: 2020-09-16. Review status: criteria provided, single submitter. Criteria: Ambry Variant Classification Scheme 2023. Collection method: clinical testing. Allele origin: germline.
Comment: The p.H3239Y variant (also known as c.9715C>T), located in coding exon 26 of the APOB gene, results from a C to T substitution at nucleotide position 9715. The histidine at codon 3239 is replaced by tyrosine, an amino acid with similar properties. This amino acid position is poorly conserved in available vertebrate species. In addition, this alteration is predicted to be tolerated by in silico analysis. Since supporting evidence is limited at this time, the clinical significance of this alteration remains unclear.

PreventionGenetics, part of Exact Sciences
Classification: Uncertain significance for APOB-related condition. Last evaluated: 2023-12-27. Review status: no assertion criteria provided. Collection method: clinical testing. Allele origin: germline. Not counted in ClinVar's aggregate classification.
Comment: The APOB c.9715C>T variant is predicted to result in the amino acid substitution p.His3239Tyr. To our knowledge, this variant has not been reported in the literature. This variant is reported in 0.0054% of alleles in individuals of East Asian descent in gnomAD. At this time, the clinical significance of this variant is uncertain due to the absence of conclusive functional and genetic evidence.